The following is an entry in ClinVar:

NM_004329.3(BMPR1A):c.647C>G (p.Ser216Cys)

Gene: BMPR1A (bone morphogenetic protein receptor type 1A; plus strand). Cytogenetic location: 10q23.2.
Variant type: single nucleotide variant.
Coding change: c.647C>G on transcript NM_004329.3 (MANE Select); coding-DNA position 647, C replaced by G.
Protein change: p.Ser216Cys; replaces serine 216 with cysteine.
Molecular consequence: missense variant. On other transcripts: non-coding transcript variant (3), intron variant (1).
Genome position (GRCh38, 1-based): chr10:86,912,356, C>G. VCF-style: chr10-86912356-C-G. GRCh37 (hg19) VCF-style: chr10-88672113-C-G.
Other names: c.722C>G, p.Ser241Cys (NM_001406559.1); c.695C>G, p.Ser232Cys (NM_001406560.1); c.647C>G, p.Ser216Cys (NM_001406561.1, NM_001406562.1, NM_001406563.1 and 20 more transcripts); c.563C>G, p.Ser188Cys (NM_001406584.1, NM_001406585.1, NM_001406586.1 and 2 more transcripts); c.334-4778C>G (NM_001406589.1); short protein forms S188C, S241C, S232C, S216C.
Identifiers: ClinVar variation 2565019 (VCV002565019.5), dbSNP rs2539574257, ClinGen allele CA377455047.

ClinVar aggregate classification (germline): Uncertain significance. Review status: criteria provided, multiple submitters, no conflicts (2 of 4 stars). 2 submissions from 2 submitters: Uncertain significance (2). Last evaluated 2023-03-22.

Conditions:
Juvenile polyposis syndrome (JPS). Identifiers: Orphanet 2929, MedGen C0345893, MONDO:0017380, OMIM 174900.
Hereditary cancer-predisposing syndrome. Also called: Neoplastic Syndromes, Hereditary; Hereditary Cancer Syndrome; Tumor predisposition; Hereditary neoplastic syndrome. Identifiers: Orphanet 140162, MedGen C0027672, MeSH D009386, MONDO:0015356.

Submissions (2):

Ambry Genetics
Classification: Uncertain significance for Hereditary cancer-predisposing syndrome. Last evaluated: 2023-03-22. Review status: criteria provided, single submitter. Criteria: Ambry Variant Classification Scheme 2023. Collection method: clinical testing. Allele origin: germline.
Comment: The p.S216C variant (also known as c.647C>G), located in coding exon 6 of the BMPR1A gene, results from a C to G substitution at nucleotide position 647. The serine at codon 216 is replaced by cysteine, an amino acid with dissimilar properties. This amino acid position is conserved. In addition, this alteration is predicted to be deleterious by in silico analysis. Since supporting evidence is limited at this time, the clinical significance of this alteration remains unclear.

Labcorp Genetics (formerly Invitae), Labcorp
Classification: Uncertain significance for Juvenile polyposis syndrome. Last evaluated: 2023-03-16. Review status: criteria provided, single submitter. Criteria: Invitae Variant Classification Sherloc (09022015). Collection method: clinical testing. Allele origin: germline.
Comment: In summary, the available evidence is currently insufficient to determine the role of this variant in disease. Therefore, it has been classified as a Variant of Uncertain Significance. Advanced modeling of protein sequence and biophysical properties (such as structural, functional, and spatial information, amino acid conservation, physicochemical variation, residue mobility, and thermodynamic stability) performed at Invitae indicates that this missense variant is not expected to disrupt BMPR1A protein function. This variant has not been reported in the literature in individuals affected with BMPR1A-related conditions. This variant is not present in population databases (gnomAD no frequency). This sequence change replaces serine, which is neutral and polar, with cysteine, which is neutral and slightly polar, at codon 216 of the BMPR1A protein (p.Ser216Cys).